The following is an entry in ClinVar:

NM_001126108.2(SLC12A3):c.1024G>T (p.Gly342Ter)

Gene: SLC12A3 (solute carrier family 12 member 3; plus strand). Cytogenetic location: 16q13.
Variant type: single nucleotide variant.
Coding change: c.1024G>T on transcript NM_001126108.2 (MANE Select); coding-DNA position 1024, G replaced by T.
Protein change: p.Gly342Ter; replaces glycine 342 with a stop codon.
Molecular consequence: nonsense.
Genome position (GRCh38, 1-based): chr16:56,872,715, G>T. VCF-style: chr16-56872715-G-T. GRCh37 (hg19) VCF-style: chr16-56906627-G-T.
Other names: c.1024G>T, p.Gly342Ter (NM_000339.3); c.1021G>T, p.Gly341Ter (NM_001126107.2, NM_001410896.1); short protein forms G341*, G342*.
Identifiers: ClinVar variation 2736348 (VCV002736348.3), dbSNP rs776351641, ClinGen allele CA8069302.

ClinVar aggregate classification (germline): Pathogenic (1 of 4 stars; one submission).

gnomAD v4.1: 8 of 1,614,232 alleles (0.0005%); highest among the groups gnomAD compares: Non-Finnish European, 0.00068%; no homozygotes.

Submission:

Labcorp Genetics (formerly Invitae), Labcorp
Classification: Pathogenic. Last evaluated: 2022-11-01. Review status: criteria provided, single submitter. Criteria: Invitae Variant Classification Sherloc (09022015). Collection method: clinical testing. Allele origin: germline.
Comment: For these reasons, this variant has been classified as Pathogenic. Algorithms developed to predict the effect of sequence changes on RNA splicing suggest that this variant may create or strengthen a splice site. This premature translational stop signal has been observed in individual(s) with Gitelman syndrome (PMID: 22009145). This variant is present in population databases (rs776351641, gnomAD 0.0009%). This sequence change creates a premature translational stop signal (p.Gly342*) in the SLC12A3 gene. It is expected to result in an absent or disrupted protein product. Loss-of-function variants in SLC12A3 are known to be pathogenic (PMID: 20848653, 22009145, 25841442).

Literature cited by the submitters: PubMed 22009145; PubMed 20848653; PubMed 25841442.